The following is an entry in ClinVar:

NM_000484.4(APP):c.-111G>C

Gene: APP (amyloid beta precursor protein; minus strand). Cytogenetic location: 21q21.3.
Variant type: single nucleotide variant.
Coding change: c.-111G>C on transcript NM_000484.4 (MANE Select); 111 bases upstream of the start codon, G replaced by C.
Molecular consequence: 5 prime UTR variant. On other transcripts: intron variant (1).
Genome position (GRCh38, 1-based): chr21:26,170,731, C>G on the plus strand (G>C on the coding strand, the complement: APP is on the minus strand). VCF-style: chr21-26170731-C-G. GRCh37 (hg19) VCF-style: chr21-27543049-C-G.
Other names: c.-111G>C (NM_001136129.3, NM_001136130.3, NM_001204301.2 and 5 more transcripts); c.-49+254G>C (NM_001136131.3).
Identifiers: ClinVar variation 339653 (VCV000339653.8), dbSNP rs459543, ClinGen allele CA10644523.

ClinVar aggregate classification (germline): Benign. Review status: criteria provided, multiple submitters, no conflicts (2 of 4 stars). 3 submissions from 3 submitters: Benign (3). Last evaluated 2018-09-23.

Conditions:
Alzheimer disease. Also called: Presenile and senile dementia; Alzheimer's disease. Identifiers: Orphanet 1020, MedGen C0002395, MeSH D000544, MONDO:0004975, HP:0002511.

Allele frequency attached by ClinVar (database versions not stated): gnomAD 0.08614; TOPMed 0.08950; 1000 Genomes Project 30x 0.12836; 1000 Genomes Project 0.13059.
gnomAD v4.1: 48,540 of 1,143,326 alleles (4.2%); highest among the groups gnomAD compares: East Asian, 19%; 2,437 homozygotes.

Submissions (3):

GeneDx
Classification: Benign. Last evaluated: 2018-09-23. Review status: criteria provided, single submitter. Criteria: GeneDx Variant Classification Process June 2021. Collection method: clinical testing. Allele origin: germline. Affected: yes.

Illumina Laboratory Services, Illumina
Classification: Benign for Alzheimer disease type 1. Last evaluated: 2018-01-12. Review status: criteria provided, single submitter. Criteria: ICSL Variant Classification Criteria 13 December 2019. Collection method: clinical testing. Allele origin: germline.
Comment: This variant was observed in the ICSL laboratory as part of a predisposition screen in an ostensibly healthy population. It had not been previously curated by ICSL or reported in the Human Gene Mutation Database (HGMD: prior to June 1st, 2018), and was therefore a candidate for classification through an automated scoring system. Utilizing variant allele frequency, disease prevalence and penetrance estimates, and inheritance mode, an automated score was calculated to assess if this variant is too frequent to cause the disease. Based on the score and internal cut-off values, a variant classified as benign is not then subjected to further curation. The score for this variant resulted in a classification of benign for this disease.

Breakthrough Genomics
Classification: Benign. Review status: criteria provided, single submitter. Criteria: ACMG Guidelines, 2015. Collection method: not provided. Allele origin: germline. Inheritance: Autosomal dominant inheritance. Affected: yes.